The following is an entry in ClinVar:

NM_006662.3(SRCAP):c.6684G>C (p.Glu2228Asp)

Gene: SRCAP (Snf2 related CREBBP activator protein; plus strand). Cytogenetic location: 16p11.2.
Variant type: single nucleotide variant.
Coding change: c.6684G>C on transcript NM_006662.3 (MANE Select); coding-DNA position 6684, G replaced by C.
Protein change: p.Glu2228Asp; replaces glutamic acid 2228 with aspartic acid.
Molecular consequence: missense variant.
Genome position (GRCh38, 1-based): chr16:30,734,570, G>C. VCF-style: chr16-30734570-G-C. GRCh37 (hg19) VCF-style: chr16-30745891-G-C.
Other names: short protein forms E2228D.
Identifiers: ClinVar variation 2055964 (VCV002055964.4), dbSNP rs1314981005, ClinGen allele CA395626286.

ClinVar aggregate classification (germline): Uncertain significance (1 of 4 stars; one submission).

Allele frequency attached by ClinVar (database versions not stated): gnomAD exomes below 0.00001.
gnomAD v4.1: 1 of 1,614,052 alleles (0.000062%); highest among the groups gnomAD compares: Admixed American, 0.0017%; no homozygotes.

Submission:

Labcorp Genetics (formerly Invitae), Labcorp
Classification: Uncertain significance. Last evaluated: 2024-06-22. Review status: criteria provided, single submitter. Criteria: Invitae Variant Classification Sherloc (09022015). Collection method: clinical testing. Allele origin: germline.
Comment: This sequence change replaces glutamic acid, which is acidic and polar, with aspartic acid, which is acidic and polar, at codon 2228 of the SRCAP protein (p.Glu2228Asp). This variant is present in population databases (no rsID available, gnomAD no frequency). This variant has not been reported in the literature in individuals affected with SRCAP-related conditions. ClinVar contains an entry for this variant (Variation ID: 2055964). Advanced modeling of protein sequence and biophysical properties (such as structural, functional, and spatial information, amino acid conservation, physicochemical variation, residue mobility, and thermodynamic stability) performed at Invitae indicates that this missense variant is not expected to disrupt SRCAP protein function with a negative predictive value of 80%. In summary, the available evidence is currently insufficient to determine the role of this variant in disease. Therefore, it has been classified as a Variant of Uncertain Significance.